The following is an entry in ClinVar:

ClinVar aggregate classification (germline): Uncertain significance (1 of 4 stars; one submission).

Conditions:
Hereditary cancer-predisposing syndrome. Also called: Neoplastic Syndromes, Hereditary; Tumor predisposition; Hereditary neoplastic syndrome; Hereditary Cancer Syndrome. Identifiers: Orphanet 140162, MedGen C0027672, MeSH D009386, MONDO:0015356.

Submission:

Ambry Genetics
Classification: Uncertain significance for Hereditary cancer-predisposing syndrome. Last evaluated: 2025-04-25. Review status: criteria provided, single submitter. Criteria: Ambry Variant Classification Scheme 2023. Collection method: clinical testing. Allele origin: germline.
Comment: The p.P43S variant (also known as c.127C>T), located in coding exon 1 of the ALK gene, results from a C to T substitution at nucleotide position 127. The proline at codon 43 is replaced by serine, an amino acid with similar properties. This amino acid position is well conserved in available vertebrate species. In addition, this alteration is predicted to be deleterious by in silico analysis. Based on the available evidence, the clinical significance of this variant remains unclear.

NM_004304.5(ALK):c.127C>T (p.Pro43Ser)

Gene: ALK (ALK receptor tyrosine kinase; minus strand). Cytogenetic location: 2p23.1.
Variant type: single nucleotide variant.
Coding change: c.127C>T on transcript NM_004304.5 (MANE Select); coding-DNA position 127, C replaced by T.
Protein change: p.Pro43Ser; replaces proline 43 with serine.
Molecular consequence: missense variant.
Genome position (GRCh38, 1-based): chr2:29,920,533, G>A on the plus strand (C>T on the coding strand, the complement: ALK is on the minus strand). VCF-style: chr2-29920533-G-A. GRCh37 (hg19) VCF-style: chr2-30143399-G-A.
Other names: short protein forms P43S.
Identifiers: ClinVar variation 4040499 (VCV004040499.1).